The following is an entry in ClinVar:

ClinVar aggregate classification (germline): Pathogenic (1 of 4 stars; one submission).

Submission:

Labcorp Genetics (formerly Invitae), Labcorp
Classification: Pathogenic. Last evaluated: 2024-10-27. Review status: criteria provided, single submitter. Criteria: Invitae Variant Classification Sherloc (09022015). Collection method: clinical testing. Allele origin: germline.
Comment: This sequence change creates a premature translational stop signal (p.Cys385*) in the DEAF1 gene. It is expected to result in an absent or disrupted protein product. Loss-of-function variants in DEAF1 are known to be pathogenic (PMID: 30923367). This variant is not present in population databases (gnomAD no frequency). This variant has not been reported in the literature in individuals affected with DEAF1-related conditions. For these reasons, this variant has been classified as Pathogenic.

Literature cited by the submitters: PubMed 30923367.

NM_021008.4(DEAF1):c.1155del (p.Pro384_Cys385insTer)

Gene: DEAF1 (DEAF1 transcription factor; minus strand). Cytogenetic location: 11p15.5.
Variant type: Deletion.
Coding change: c.1155del on transcript NM_021008.4 (MANE Select); coding-DNA position 1155, one base deleted (C; older notation c.1155delC).
Protein change: p.Pro384_Cys385insTer.
Molecular consequence: nonsense. On other transcripts: frameshift variant (1).
Genome position (GRCh38, 1-based): chr11:678,794, G deleted on the plus strand (C on the coding strand, the reverse complement: DEAF1 is on the minus strand). VCF-style (leftmost placement, unchanged base first): chr11-678793-TG-T. GRCh37 (hg19) VCF-style: chr11-678793-TG-T.
Other names: c.888delC, p.Cys296Terfs (NM_001293634.2); c.429del, p.Pro142_Cys143insTer (NM_001367390.1).
Identifiers: ClinVar variation 3693386 (VCV003693386.2).
Genomic context (GRCh38, chr11:678,793, plus strand): 5'-ACGGTGCGATCTGGCAGCTGTCCTGATAGCCGGGGTAGTGAGGCTCAGGGTGGCTGGCCC[TG>T]CATGGGGGCTGCACGCTGGCCTCTTGGACTGTTGGGGAGAAAAAGGACAGGGAGGCTCGG-3'